The following is an entry in ClinVar:

ClinVar aggregate classification (germline): Uncertain significance (1 of 4 stars; one submission).

gnomAD v4.1: 37 of 1,613,914 alleles (0.0023%); highest among the groups gnomAD compares: Non-Finnish European, 0.0015%; no homozygotes.

Submission:

GeneDx
Classification: Uncertain significance. Last evaluated: 2025-04-21. Review status: criteria provided, single submitter. Criteria: GeneDx Variant Classification Process June 2021. Collection method: clinical testing. Allele origin: germline. Affected: yes.
Comment: In silico analysis supports that this missense variant has a deleterious effect on protein structure/function; Has not been previously published as pathogenic or benign to our knowledge

NM_002972.4(SBF1):c.5555A>G (p.Lys1852Arg)

Gene: SBF1 (SET binding factor 1; minus strand). Cytogenetic location: 22q13.33.
Variant type: single nucleotide variant.
Coding change: c.5555A>G on transcript NM_002972.4 (MANE Select); coding-DNA position 5555, A replaced by G.
Protein change: p.Lys1852Arg; replaces lysine 1852 with arginine.
Molecular consequence: missense variant.
Genome position (GRCh38, 1-based): chr22:50,447,350, T>C on the plus strand (A>G on the coding strand, the complement: SBF1 is on the minus strand). VCF-style: chr22-50447350-T-C. GRCh37 (hg19) VCF-style: chr22-50885779-T-C.
Other names: c.5480A>G, p.Lys1827Arg (NM_001365819.1); c.5558A>G, p.Lys1853Arg (NM_001410794.1); c.5477A>G, p.Lys1826Arg (NM_001410795.1); short protein forms K1826R, K1827R, K1852R, K1853R.
Identifiers: ClinVar variation 4527305 (VCV004527305.1).